The following is an entry in ClinVar:

NM_000478.6(ALPL):c.978CTT[2] (p.Phe328del)

Gene: ALPL (alkaline phosphatase, biomineralization associated; plus strand). Cytogenetic location: 1p36.12.
Variant type: Microsatellite.
Coding change: c.978CTT[2] on transcript NM_000478.6 (MANE Select); two copies in a row of the 3-base unit CTT starting at c.978; the reference has three copies in a row; one copy, 3 bases deleted; also written c.984_986del.
Protein change: p.Phe328del; deletes phenylalanine 328.
Molecular consequence: inframe deletion.
Genome position (GRCh38, 1-based): chr1:21,573,786-21,573,788, CTT deleted; deleting any 3 consecutive bases within chr1:21,573,780-21,573,788 gives the same sequence; the position shown is the placement nearest the transcript's 3' end. VCF-style (leftmost placement, unchanged base first): chr1-21573779-GCTT-G. GRCh37 (hg19) VCF-style: chr1-21900272-GCTT-G.
Other names: c.984_986del (NM_000478.5, NM_000478.6, NM_000478.4); c.984_986delCTT (NM_000478.4); c.813CTT[2], p.Phe273del (NM_001127501.4); c.747CTT[2], p.Phe251del (NM_001177520.3); c.978CTT[2], p.Phe328del (NM_001369803.2, NM_001369804.2, NM_001369805.2); short protein forms F251del, F328del, F273del.
Identifiers: ClinVar variation 654922 (VCV000654922.37), dbSNP rs753338851, ClinGen allele CA666693.

ClinVar aggregate classification (germline): Pathogenic/Likely pathogenic. Review status: criteria provided, multiple submitters, no conflicts (2 of 4 stars). 16 submissions from 16 submitters: Pathogenic (13); Likely pathogenic (2). 1 of the submissions does not count toward it. Last evaluated 2026-09-14.

Conditions:
Adult hypophosphatasia. Identifiers: Orphanet 247676, Orphanet 436, MedGen C0268413, MONDO:1010154, OMIM 146300, MONDO:0007798.
Childhood hypophosphatasia. Identifiers: Orphanet 247667, Orphanet 436, MedGen C0220743, MONDO:1010168, OMIM 241510, MONDO:0009428.
Infantile hypophosphatasia. Identifiers: Orphanet 247651, Orphanet 436, MedGen C0268412, MONDO:1010169, OMIM 241500, MONDO:0009427.
Hypophosphatasia. Also called: Phosphoethanol-aminuria. Identifiers: Orphanet 436, MedGen C0020630, MeSH D007014, MONDO:0018570.
Osteogenesis imperfecta (OI). Identifiers: Orphanet 666, MedGen C0029434, MeSH D010013, MONDO:0019019.
ALPL-related autosomal recessive hypophosphatasia. Identifiers: MedGen CN379221, MONDO:0100609.
Hypophosphataemia or rickets.
ALPL-related disorder. Also called: ALPL-related disorders; ALPL-related condition.
Inborn genetic diseases. Identifiers: MedGen C0950123, MeSH D030342.
Autosomal dominant and autosomal recessive ALPL-related disorders.

Submissions 1 to 7 of 16:

Cambridge Genomics Laboratory, East Genomic Laboratory Hub, NHS Genomic Medicine Service
Classification: Pathogenic for Hypophosphataemia or rickets. Last evaluated: 2026-09-14. Review status: criteria provided, single submitter. Criteria: ACGS Best Practice Guidelines for Variant Classification in Rare Disease 2020. Collection method: clinical testing. Allele origin: germline. Affected: yes.
Comment: PS3_Moderate,PS4_Moderate,PM2_Supporting,PM3_Strong,PM4_Supporting

Labcorp Genetics (formerly Invitae), Labcorp
Classification: Pathogenic. Last evaluated: 2025-11-26. Review status: criteria provided, single submitter. Criteria: Invitae Variant Classification Sherloc (09022015). Collection method: clinical testing. Allele origin: germline.
Comment: This variant, c.984_986del, results in the deletion of 1 amino acid(s) of the ALPL protein (p.Phe328del), but otherwise preserves the integrity of the reading frame. This variant is present in population databases (rs753338851, gnomAD 0.01%). This variant has been observed in individual(s) with hypophosphatasia (PMID: 9192863, 15660230, 21638016, 26432670, 29724887). In at least one individual the data is consistent with being in trans (on the opposite chromosome) from a pathogenic variant. This variant is also known as 978–980delCTT (p.F310del). ClinVar contains an entry for this variant (Variation ID: 654922). Algorithms developed to predict the effect of variants on gene product structure and function are not available or were not evaluated for this variant. Experimental studies have shown that this variant affects ALPL function (PMID: 15660230). For these reasons, this variant has been classified as Pathogenic.

Variantyx, Inc.
Classification: Pathogenic for Autosomal dominant and autosomal recessive ALPL-related disorders. Last evaluated: 2025-11-12. Review status: criteria provided, single submitter. Criteria: Variantyx Assertion Criteria 2022. Collection method: clinical testing. Allele origin: germline. Inheritance: Autosomal recessive inheritance.
Comment: This is an inframe deletion variant in the ALPL gene (OMIM: 171760). Pathogenic variants in this gene have been associated with autosomal dominant and autosomal recessive ALPL-related disorders. This variant causes an in-frame deletion of a single amino acid at position 328 of the ALPL protein (PM4). This variant has been identified in the homozygous or compound heterozygous state in many individuals reported in the published literature (PMID: 35197081, 21638016, 9192863) (PM3). Functional studies have shown that this variant alters ALPL protein function (PMID: 32160374) (PS3). This variant lies within a known hotspot for pathogenic variants or a well-established critical functional domain of the ALPL protein (PM1). This variant has a 0.0111% maximum allele frequency in non-founder control populations (PM2) Based on the current evidence, this variant is classified as pathogenic for autosomal recessive ALPL-related disorders. Of note, this variant has been reported in the heterozygous state in an affected individual with a mild childhood form of hypophosphatasia (PMID: 35197081).

Natera, Inc.
Classification: Pathogenic for Hypophosphatasia. Last evaluated: 2025-10-09. Review status: criteria provided, single submitter. Criteria: Natera Variant Classification Schema (03/2026). Collection method: clinical testing. Allele origin: germline.
Comment: The c.984_986delCTT variant in ALPL is an in-frame deletion predicted to remove phenylalanine at amino acid 328 while preserving the reading frame. This variant is rare in the general population with a frequency below the threshold expected for the associated phenotype(s). This variant has been observed in one or more individuals affected with the associated recessive disease, as either homozygous or compound heterozygous with a second variant (PMID: 32973344, 15660230). Functional studies show that this variant may disrupt protein function (PMID: 15660230). This variant results in a change to the protein length while preserving reading frame, which may disrupt normal protein structure or function. Computational prediction algorithms indicate this variant is likely to affect gene or protein function. Given the available evidence, this variant is classified as Pathogenic.

Victorian Clinical Genetics Services, Murdoch Childrens Research Institute
Classification: Pathogenic for ALPL-related autosomal recessive hypophosphatasia. Last evaluated: 2025-10-09. Review status: criteria provided, single submitter. Criteria: ACMG Guidelines, 2015. Collection method: clinical testing. Allele origin: germline. Affected: yes.
Comment: This variant is classified as Pathogenic. Evidence in support of pathogenic classification: In-frame deletion in a non-repetitive region that has high conservation; Variant is present in gnomAD <0.01 (v4: 47 heterozygote(s), 0 homozygote(s)); This variant has strong previous evidence of pathogenicity in unrelated individuals. This variant has been classified as likely pathogenic or pathogenic by multiple clinical laboratories in ClinVar. It has also been reported in a compound heterozygous state in individuals in the literature with perinatal or childhood hypophosphatasia. Reports of individuals with this variant in a heterozygous state vary in phenotypic severity, including reports of childhood hypophosphatasia, adult hypophosphatasia, individuals with low alkaline phosphatase levels without other symptoms, and asymptomatic individuals (PMIDs: 33777089, 38374822, 31707452, 37107680, 36361766, 35197081, 21638016, 36514157). Additional information: This variant is heterozygous; This gene is associated with both recessive and dominant disease. Severe forms of hypophosphatasia (perinatal and infantile) are generally associated with autosomal recessive disease, while the milder forms of hypophosphatasia (childhood, adult and odontohypophosphatasia) have been associated with both autosomal dominant and recessive disease (PMIDs: 19500388, 23688511); Variant is located in the annotated alkaline phosphatase domain (DECIPHER); Dominant negative and loss of function are known mechanisms of disease in this gene. Late-onset/mild disease is associated with monoallelic dominant negative variants or biallelic loss of function variants that retain residual enzyme activity, while early-onset/severe disease is caused by complete loss of function variants (PMID: 20301329, 19500388); The condition associated with this gene has incomplete penetrance (PMID: 20301329); Variants in this gene are known to have variable expressivity (PMID: 20301329).

Genomenon, Inc
Classification: Pathogenic for Hypophosphatasia. Last evaluated: 2025-08-29. Review status: criteria provided, single submitter. Criteria: Genomenon Sequence Variant Interpretation Standards. Collection method: curation. Allele origin: germline. Affected: yes.
Comment: ALPL p.Phe328del (c.984_986del) is an in-frame deletion variant that results in the deletion of a single amino acid, Phenylalanine, at position 328. This variant has been observed in multiple probands affected with hypophosphatasia (PMID:36361766;31707452;33777089;32973344;31980526;28127875;34673643;33579333;33814268;32811521;21638016;15660230;26432670;31600233;11855933;24276437;29724887). At least one functional study has demonstrated a substantial alteration in protein function relative to the wild-type (PMID:15660230). It is absent or not present at a significant frequency in gnomAD. In conclusion, we classify ALPL p.Phe328del (c.984_986del) as a pathogenic variant.

GeneDx
Classification: Pathogenic. Last evaluated: 2025-03-31. Review status: criteria provided, single submitter. Criteria: GeneDx Variant Classification Process June 2021. Collection method: clinical testing. Allele origin: germline. Affected: yes.
Comment: Published functional studies demonstrate a damaging effect due to significantly decreased enzymatic activity compared to wildtype protein (PMID: 15660230); In-frame deletion of 1 amino acid in a non-repeat region; In silico analysis supports a deleterious effect on protein structure/function; This variant is associated with the following publications: (PMID: 34673643, 21638016, 9192863, 32160374, 31707452, 26432670, 35314707, 35197081, 35726512, 37107680, 38374822, 39925621, 33777089, 29724887, 15660230)